The following is an entry in ClinVar:

NM_018474.6(KIZ):c.248G>A (p.Arg83Gln)

Genes: KIZ (kizuna centrosomal protein; plus strand), LOC130065509 (ATAC-STARR-seq lymphoblastoid active region 17619; plus strand). Cytogenetic location: 20p11.23.
Variant type: single nucleotide variant.
Coding change: c.248G>A on transcript NM_018474.6 (MANE Select); coding-DNA position 248, G replaced by A.
Protein change: p.Arg83Gln; replaces arginine 83 with glutamine.
Molecular consequence: missense variant. On other transcripts: 5 prime UTR variant (1), intron variant (4).
Genome position (GRCh38, 1-based): chr20:21,136,485, G>A. VCF-style: chr20-21136485-G-A. GRCh37 (hg19) VCF-style: chr20-21117126-G-A.
Other names: c.248G>A, p.Arg83Gln (NM_001352434.2); c.-139G>A (NM_001352436.2); c.169-9080G>A (NM_001276389.2); c.6+4326G>A (NM_001163022.3, NM_001352435.2, NM_001163023.3); short protein forms R83Q.
Identifiers: ClinVar variation 4978394 (VCV004978394.1).

ClinVar aggregate classification (germline): Uncertain significance (1 of 4 stars; one submission).

Conditions:
KIZ-related disorder. Also called: KIZ-related condition.

gnomAD v4.1: 18 of 1,598,978 alleles (0.0011%); highest among the groups gnomAD compares: South Asian, 0.0023%; no homozygotes.

Submission:

PreventionGenetics, part of Exact Sciences
Classification: Uncertain significance for KIZ-related condition. Last evaluated: 2026-07-07. Review status: criteria provided, single submitter. Criteria: ACMG Guidelines, 2015. Collection method: clinical testing. Allele origin: germline.
Comment: The KIZ c.248G>A variant is predicted to result in the amino acid substitution p.Arg83Gln. To our knowledge, this variant has not been reported in the literature. This variant is reported in 0.0036% of alleles in individuals of South Asian descent in gnomAD. At this time, the clinical significance of this variant is uncertain due to the absence of conclusive functional and genetic evidence.